The following is an entry in ClinVar:

NM_001289808.2(CRYAB):c.116C>T (p.Pro39Leu)

Gene: CRYAB (crystallin alpha B; minus strand). Cytogenetic location: 11q23.1.
Variant type: single nucleotide variant.
Coding change: c.116C>T on transcript NM_001289808.2 (MANE Select); coding-DNA position 116, C replaced by T.
Protein change: p.Pro39Leu; replaces proline 39 with leucine.
Molecular consequence: missense variant.
Genome position (GRCh38, 1-based): chr11:111,911,609, G>A on the plus strand (C>T on the coding strand, the complement: CRYAB is on the minus strand). VCF-style: chr11-111911609-G-A. GRCh37 (hg19) VCF-style: chr11-111782333-G-A.
Other names: c.116C>T, p.Pro39Leu (NM_001289807.1, NM_001368245.1, NM_001885.3); short protein forms P39L.
Identifiers: ClinVar variation 178013 (VCV000178013.36), dbSNP rs149787233, ClinGen allele CA181184.
Genomic context (GRCh38, chr11:111,911,609, plus strand): 5'-CTGGGTGCCCGCAGGAAGGAGGGTGGCCGAAGGTAGAAGGGACTCAGGGAAGTAGACGTC[G>A]GGAAAAGATCAGACTCCAACAGGTGCTCTCCGAAGAACTGGTCAAAGAGGCGGCTGGGGG-3'
Protein context (NP_001276737.1, residues 29-49): GEHLLESDLF[Pro39Leu]TSTSLSPFYL

ClinVar aggregate classification (germline): Conflicting classifications of pathogenicity. Review status: criteria provided, conflicting classifications (1 of 4 stars). 16 submissions from 14 submitters: Uncertain significance (11); Benign (2); Likely benign (2). 1 of the submissions does not count toward it. Last evaluated 2025-12-08.

Conditions:
Cardiovascular phenotype. Identifiers: MedGen CN230736.
Dilated cardiomyopathy 1II (CMD1II). Identifiers: Orphanet 154, MedGen C3554649, MONDO:0014073, OMIM 615184.
Fatal infantile hypertonic myofibrillar myopathy (MFM2B). Also called: MFM, FATAL INFANTILE HYPERTONIC, ALPHA-B CRYSTALLIN-RELATED; MYOPATHY, MYOFIBRILLAR, 2B, INFANTILE-ONSET. Identifiers: Orphanet 280553, MedGen C5190691, MONDO:0013472, OMIM 613869.
Cataract 16 multiple types. Also called: CATARACT, CONGENITAL LAMELLAR; CATARACT 16, POSTERIOR POLAR; CATARACT 16, CONGENITAL LAMELLAR. Identifiers: Orphanet 91492, Orphanet 98992, Orphanet 98993, Orphanet 98995, MedGen C3808377, MONDO:0013411, OMIM 613763.
Myofibrillar myopathy 2. Also called: MYOPATHY, DESMIN-RELATED, ASSOCIATED WITH MUTATION IN THE CRYAB GENE; MYOPATHY, MYOFIBRILLAR, ALPHA-B CRYSTALLIN-RELATED; MYOPATHY, MYOFIBRILLAR, WITH OR WITHOUT CATARACT AND/OR CARDIOMYOPATHY; MYOPATHY, MYOFIBRILLAR, 2A, ADULT-ONSET. Identifiers: Orphanet 280553, Orphanet 399058, MedGen C1837317, MONDO:0012130.

Allele frequency attached by ClinVar (database versions not stated): TOPMed 0.00011; gnomAD 0.00019 and 0.00020; gnomAD exomes 0.00019 and 0.00024; ExAC 0.00034; ESP Exome Variant Server 0.00038.
gnomAD v4.1: 305 of 1,612,866 alleles (0.019%); highest among the groups gnomAD compares: Non-Finnish European, 0.023%; no homozygotes.

Submissions (16):

Women's Health and Genetics/Laboratory Corporation of America, LabCorp
Classification: Uncertain significance. Last evaluated: 2025-12-08. Review status: criteria provided, single submitter. Criteria: LabCorp Variant Classification Summary - May 2015. Collection method: clinical testing. Allele origin: germline.
Comment: Variant summary: CRYAB c.116C>T (p.Pro39Leu) results in a non-conservative amino acid change in the encoded protein sequence. Algorithms developed to predict the effect of missense changes on protein structure and function all suggest that this variant is likely to be disruptive. The variant allele was found at a frequency of 0.00024 in 248140 control chromosomes. This frequency is not significantly higher than estimated for disease-causing variants in CRYAB, allowing no conclusion about variant significance. c.116C>T has been observed in the presumed heterozygous state in the literature or in unpublished abstracts (Stoevring_2006) in individuals affected with left ventricular noncompaction or hypertrophic cardiomyopathy (Miszalski-Jamka_2017). These report(s) do not provide unequivocal conclusions about association of the variant with CRYAB-related conditions. At least one publication reports experimental evidence evaluating an impact on protein function in vitro, however, does not allow convincing conclusions about the variant effect (Barati_2024). The following publications have been ascertained in the context of this evaluation (PMID: 38548822, 28798025). ClinVar contains an entry for this variant (Variation ID: 178013). Based on the evidence outlined above, the variant was classified as uncertain significance.

Athena Diagnostics
Classification: Uncertain significance. Last evaluated: 2025-09-25. Review status: criteria provided, single submitter. Criteria: Athena Diagnostics Criteria. Collection method: clinical testing. Allele origin: unknown.
Comment: Available data are insufficient to determine the clinical significance of the variant at this time. The frequency of this variant in the general population is higher than would generally be expected for pathogenic variants in this gene. Assessment of experimental evidence regarding the effect of this variant on protein function is inconclusive. (PMID: 38548822)

Revvity Omics, Revvity
Classification: Uncertain significance. Last evaluated: 2025-04-21. Review status: criteria provided, single submitter. Criteria: ACMG Guidelines, 2015. Collection method: clinical testing. Allele origin: germline.

Labcorp Genetics (formerly Invitae), Labcorp
Classification: Uncertain significance for Dilated cardiomyopathy 1II. Last evaluated: 2025-01-11. Review status: criteria provided, single submitter. Criteria: Invitae Variant Classification Sherloc (09022015). Collection method: clinical testing. Allele origin: germline.
Comment: This sequence change replaces proline, which is neutral and non-polar, with leucine, which is neutral and non-polar, at codon 39 of the CRYAB protein (p.Pro39Leu). This variant is present in population databases (rs149787233, gnomAD 0.06%). This variant has not been reported in the literature in individuals affected with CRYAB-related conditions. ClinVar contains an entry for this variant (Variation ID: 178013). An algorithm developed to predict the effect of missense changes on protein structure and function (PolyPhen-2) suggests that this variant is likely to be disruptive. In summary, the available evidence is currently insufficient to determine the role of this variant in disease. Therefore, it has been classified as a Variant of Uncertain Significance.

Blueprint Genetics
Classification: Likely benign. Last evaluated: 2024-11-06. Review status: criteria provided, single submitter. Criteria: ACMG Guidelines, 2015. Collection method: clinical testing. Allele origin: germline.

Fulgent Genetics
Classification: Uncertain significance for Cataract 16 multiple types; Fatal infantile hypertonic myofibrillar myopathy; Dilated cardiomyopathy 1II. Last evaluated: 2024-01-25. Review status: criteria provided, single submitter. Criteria: ACMG Guidelines, 2015. Collection method: clinical testing. Allele origin: germline.

Ambry Genetics
Classification: Likely benign for Cardiovascular phenotype. Last evaluated: 2023-12-27. Review status: criteria provided, single submitter. Criteria: Ambry Variant Classification Scheme 2023. Collection method: clinical testing. Allele origin: germline.

Mayo Clinic Laboratories, Mayo Clinic
Classification: Uncertain significance. Last evaluated: 2023-03-21. Review status: criteria provided, single submitter. Criteria: ACMG Guidelines, 2015. Collection method: clinical testing. Allele origin: germline. Observed: 1 variant allele.

GeneDx
Classification: Uncertain significance. Last evaluated: 2023-03-10. Review status: criteria provided, single submitter. Criteria: GeneDx Variant Classification Process June 2021. Collection method: clinical testing. Allele origin: germline. Affected: yes.
Comment: Previously reported in an individual with left ventricular non-compaction who also harbored variants in the LMNA and MYLK2 genes (Miszalski-Jamka et al., 2017); In silico analysis supports that this missense variant has a deleterious effect on protein structure/function; This variant is associated with the following publications: (PMID: 28798025, 32420686)

Clinical Genomics Laboratory, Stanford Medicine
Classification: Uncertain significance for Fatal infantile hypertonic myofibrillar myopathy; Myofibrillar myopathy 2; Cataract 16 multiple types. Last evaluated: 2022-07-20. Review status: criteria provided, single submitter. Criteria: ACMG Guidelines, 2015. Collection method: clinical testing. Allele origin: germline. Observed: 1 variant allele, 1 heterozygote.
Comment: The p.Pro39Leu variant in the CRYAB gene has been previously reported in 1 individual with LVNC who carried a disease-causing variant in a different gene (PMID: 28798025). This variant has also been identified in 70/127,652 European (non-Finnish) chromosomes by the Genome Aggregation Database. This variant is present in ClinVar (Accession: VCV000178013.34). Computational tools predict that this variant is deleterious; however, the accuracy of in silico algorithms is limited. These data were assessed using the ACMG/AMP variant interpretation guidelines. In summary, the significance of the p.Pro39Leu variant is uncertain. Additional information is needed to resolve the significance of this variant. [ACMG evidence codes used: PP3]

Illumina Laboratory Services, Illumina
Classification: Uncertain significance for Fatal infantile hypertonic myofibrillar myopathy. Last evaluated: 2018-01-12. Review status: criteria provided, single submitter. Criteria: ICSL Variant Classification Criteria 13 December 2019. Collection method: clinical testing. Allele origin: germline.

Illumina Laboratory Services, Illumina
Classification: Benign. Last evaluated: 2018-01-12. Review status: criteria provided, single submitter. Criteria: ICSL Variant Classification Criteria 13 December 2019. Collection method: clinical testing. Allele origin: germline.
Comment: This variant was observed in the ICSL laboratory as part of a predisposition screen in an ostensibly healthy population. It had not been previously curated by ICSL or reported in the Human Gene Mutation Database (HGMD: prior to June 1st, 2018), and was therefore a candidate for classification through an automated scoring system. Utilizing variant allele frequency, disease prevalence and penetrance estimates, and inheritance mode, an automated score was calculated to assess if this variant is too frequent to cause the disease. Based on the score and internal cut-off values, a variant classified as benign is not then subjected to further curation. The score for this variant resulted in a classification of benign for this disease.

Illumina Laboratory Services, Illumina
Classification: Benign for Cataract 16 multiple types. Last evaluated: 2018-01-12. Review status: criteria provided, single submitter. Criteria: ICSL Variant Classification Criteria 13 December 2019. Collection method: clinical testing. Allele origin: germline.
Comment: the same text as in the submission from Illumina Laboratory Services, Illumina above.

Genetic Services Laboratory, University of Chicago
Classification: Uncertain significance. Last evaluated: 2016-07-01. Review status: criteria provided, single submitter. Criteria: ACMG Guidelines, 2015. Collection method: clinical testing. Allele origin: germline. Affected: no.

Laboratory for Molecular Medicine, Mass General Brigham Personalized Medicine
Classification: Uncertain significance. Last evaluated: 2013-04-12. Review status: criteria provided, single submitter. Criteria: LMM Criteria. Collection method: clinical testing. Allele origin: germline. Observed: 1 variant allele.
Comment: The Pro39Leu variant in CRYAB has not been reported in individuals with cardiomy opathy, but has been identified in 5/8594 European American chromosomes by the N HLBI Exome Sequencing Project (dbSNP rs1497872 33). Computational analyses (biochemical amino acid properties, conservation, Al ignGVGD, PolyPhen2, and SIFT) do not provide strong support for or against an im pact to the protein. Additional information is needed to fully assess the clinic al significance of this variant.

Zotz-Klimas Genetics Lab, MVZ Zotz Klimas
Classification: Uncertain significance for Dilated cardiomyopathy 1II. Last evaluated: 2023-10-30. Review status: no assertion criteria provided. Collection method: clinical testing. Allele origin: germline. Affected: yes. Not counted in ClinVar's aggregate classification.

Literature cited by the submitters: PubMed 28798025 (cited by 4 submitters); PubMed 38548822 (cited by Women's Health and Genetics/Laboratory Corporation of America, LabCorp and Athena Diagnostics).